The following is an entry in ClinVar:

ClinVar aggregate classification (germline): Likely benign (1 of 4 stars; one submission).

Conditions:
Renal hypomagnesemia 4. Also called: HYPOMAGNESEMIA, RENAL, NORMOCALCIURIC. Identifiers: Orphanet 34527, MedGen C2673648, MONDO:0012717, OMIM 611718.

Allele frequency attached by ClinVar (database versions not stated): TOPMed 0.00007; gnomAD 0.00009 and 0.00019; gnomAD exomes 0.00030; 1000 Genomes Project 30x 0.00156; 1000 Genomes Project 0.00200.
gnomAD v4.1: 44 of 209,656 alleles (0.021%); highest among the groups gnomAD compares: South Asian, 0.28%; no homozygotes.

Submission:

Illumina Laboratory Services, Illumina
Classification: Likely benign for Renal hypomagnesemia 4. Last evaluated: 2018-01-13. Review status: criteria provided, single submitter. Criteria: ICSL Variant Classification Criteria 13 December 2019. Collection method: clinical testing. Allele origin: germline.
Comment: This variant was observed in the ICSL laboratory as part of a predisposition screen in an ostensibly healthy population. It had not been previously curated by ICSL or reported in the Human Gene Mutation Database (HGMD: prior to June 1st, 2018), and was therefore a candidate for classification through an automated scoring system. Utilizing variant allele frequency, disease prevalence and penetrance estimates, and inheritance mode, an automated score was calculated to assess if this variant is too frequent to cause the disease. Based on the score and internal cut-off values, a variant classified as likely benign is not then subjected to further curation. The score for this variant resulted in a classification of likely benign for this disease.

NM_001963.6(EGF):c.*446C>T

Gene: EGF (epidermal growth factor; plus strand). Cytogenetic location: 4q25.
Variant type: single nucleotide variant.
Coding change: c.*446C>T on transcript NM_001963.6 (MANE Select); 446 bases downstream of the stop codon, C replaced by T.
Molecular consequence: 3 prime UTR variant.
Genome position (GRCh38, 1-based): chr4:110,011,901, C>T. VCF-style: chr4-110011901-C-T. GRCh37 (hg19) VCF-style: chr4-110933057-C-T.
Other names: c.*446C>T (NM_001178130.3, NM_001178131.3); c.*589C>T (NM_001357021.2).
Identifiers: ClinVar variation 347271 (VCV000347271.5), dbSNP rs534531408, ClinGen allele CA10619913.